The following is an entry in ClinVar:

NM_006158.5(NEFL):c.639C>G (p.Ile213Met)

Gene: NEFL (neurofilament light chain; minus strand). Cytogenetic location: 8p21.2.
Variant type: single nucleotide variant.
Coding change: c.639C>G on transcript NM_006158.5 (MANE Select); coding-DNA position 639, C replaced by G.
Protein change: p.Ile213Met; replaces isoleucine 213 with methionine.
Molecular consequence: missense variant.
Genome position (GRCh38, 1-based): chr8:24,955,877, G>C on the plus strand (C>G on the coding strand, the complement: NEFL is on the minus strand). VCF-style: chr8-24955877-G-C. GRCh37 (hg19) VCF-style: chr8-24813391-G-C.
Other names: short protein forms I213M.
Identifiers: ClinVar variation 66695 (VCV000066695.69), dbSNP rs62636522, ClinGen allele CA217562.
Genomic context (GRCh38, chr8:24,955,877, plus strand): 5'-TTCGGCGATCTCCTCTTCGTGCACTTTCTTCAGAAAAGAGATTTCGTCCATCAAGCTGTC[G>C]ATGCGCTTCTCGAGCTCGGCGCGAGCGAGCGCCGCCTCGTCGGCGCCTTTGCGCGCTTCC-3'
Protein context (NP_006149.2, residues 203-223): ALARAELEKR[Ile213Met]DSLMDEISFL

ClinVar aggregate classification (germline): Conflicting classifications of pathogenicity. Review status: criteria provided, conflicting classifications (1 of 4 stars). 14 submissions from 14 submitters: Uncertain significance (1); Benign (2); Likely benign (6). 5 of the submissions do not count toward it. Last evaluated 2026-06-01.

Conditions:
NEFL-related disorder. Also called: NEFL-related condition.
Charcot-Marie-Tooth disease. Also called: Charcot-Marie-Tooth Hereditary Neuropathy; Charcot-Marie-Tooth Neuropathy. Identifiers: Orphanet 166, MedGen C0007959, MONDO:0015626.
Inborn genetic diseases. Identifiers: MedGen C0950123, MeSH D030342.
Charcot-Marie-Tooth disease type 1F. Also called: CHARCOT-MARIE-TOOTH NEUROPATHY, TYPE 1F; Charcot-Marie-Tooth disease, demyelinating, type 1f. Identifiers: Orphanet 101085, MedGen C1843164, MONDO:0011902, OMIM 607734.
Charcot-Marie-Tooth disease type 2E (CMT2E). Also called: CHARCOT-MARIE-TOOTH NEUROPATHY, TYPE 2E; CHARCOT-MARIE-TOOTH DISEASE, AXONAL, TYPE 2E. Identifiers: Orphanet 99939, MedGen C1843225, MONDO:0011894, OMIM 607684.

Allele frequency attached by ClinVar (database versions not stated): 1000 Genomes Project 30x 0.00031; 1000 Genomes Project 0.00040; TOPMed 0.00061; gnomAD 0.00065 and 0.00068; ExAC 0.00085; ESP Exome Variant Server 0.00131.

Submissions (14):

CeGaT Center for Human Genetics Tuebingen
Classification: Likely benign. Last evaluated: 2026-06-01. Review status: criteria provided, single submitter. Criteria: CeGaT Center For Human Genetics Tuebingen Variant Classification Criteria Version 2. Collection method: clinical testing. Allele origin: germline. Affected: yes. Observed: 7 variant alleles.
Comment: NEFL: BP4

Labcorp Genetics (formerly Invitae), Labcorp
Classification: Likely benign for Charcot-Marie-Tooth disease type 2E. Last evaluated: 2025-12-27. Review status: criteria provided, single submitter. Criteria: Invitae Variant Classification Sherloc (09022015). Collection method: clinical testing. Allele origin: germline.

Blueprint Genetics
Classification: Likely benign. Last evaluated: 2024-11-22. Review status: criteria provided, single submitter. Criteria: ACMG Guidelines, 2015. Collection method: clinical testing. Allele origin: germline.

Mayo Clinic Laboratories, Mayo Clinic
Classification: Likely benign. Last evaluated: 2024-08-13. Review status: criteria provided, single submitter. Criteria: ACMG Guidelines, 2015. Collection method: clinical testing. Allele origin: germline. Observed: 5 variant alleles.
Comment: BS1, BP4

Ambry Genetics
Classification: Uncertain significance for Inborn genetic diseases. Last evaluated: 2023-12-19. Review status: criteria provided, single submitter. Criteria: Ambry Variant Classification Scheme 2023. Collection method: clinical testing. Allele origin: germline.
Comment: Unlikely to be causative of autosomal dominant NEFL-related Charcot-Marie-Tooth disease Based on insufficient or conflicting evidence, the clinical significance of this alteration remains unclear.

GeneDx
Classification: Likely benign. Last evaluated: 2019-05-15. Review status: criteria provided, single submitter. Criteria: GeneDx Variant Classification Process June 2021. Collection method: clinical testing. Allele origin: germline. Affected: yes.
Comment: This variant is associated with the following publications: (PMID: 16930284, 20039262, 17052987, 32376792)

ARUP Laboratories, Molecular Genetics and Genomics, ARUP Laboratories
Classification: Benign. Last evaluated: 2018-10-15. Review status: criteria provided, single submitter. Criteria: ARUP Molecular Germline Variant Investigation Process. Collection method: clinical testing. Allele origin: germline.

Illumina Laboratory Services, Illumina
Classification: Benign for Charcot-Marie-Tooth disease type 1F. Last evaluated: 2017-04-27. Review status: criteria provided, single submitter. Criteria: ICSL Variant Classification Criteria 13 December 2019. Collection method: clinical testing. Allele origin: germline.
Comment: This variant was observed as part of a predisposition screen in an ostensibly healthy population. A literature search was performed for the gene, cDNA change, and amino acid change (where applicable). Publications were found based on this search. The evidence from the literature, in combination with allele frequency data from public databases where available, was sufficient to rule this variant out of causing disease. Therefore, this variant is classified as benign.

Molecular Genetics Laboratory, London Health Sciences Centre
Classification: Likely benign for Charcot-Marie-Tooth disease. Review status: criteria provided, single submitter. Criteria: ACMG Guidelines, 2015. Collection method: clinical testing. Allele origin: germline. Affected: yes.

PreventionGenetics, part of Exact Sciences
Classification: Likely benign for NEFL-related condition. Last evaluated: 2021-04-09. Review status: no assertion criteria provided. Collection method: clinical testing. Allele origin: germline. Not counted in ClinVar's aggregate classification.
Comment: This variant is classified as likely benign based on ACMG/AMP sequence variant interpretation guidelines (Richards et al. 2015 PMID: 25741868, with internal and published modifications).

Clinical Genetics DNA and cytogenetics Diagnostics Lab, Erasmus MC, Erasmus Medical Center
Classification: Likely benign. Review status: no assertion criteria provided. Collection method: clinical testing. Allele origin: germline. Affected: yes. Study: VKGL Data-share Consensus. Not counted in ClinVar's aggregate classification.

Clinical Genetics, Academic Medical Center
Classification: Benign. Review status: no assertion criteria provided. Collection method: clinical testing. Allele origin: germline. Affected: yes. Study: VKGL Data-share Consensus. Not counted in ClinVar's aggregate classification.

Epithelial Biology;  Institute of Medical Biology, Singapore
No classification provided. Review status: no classification provided. Collection method: not provided. Allele origin: not provided. Not counted in ClinVar's aggregate classification.

Inherited Neuropathy Consortium
Classification: Uncertain significance. Review status: no assertion criteria provided. Collection method: literature only. Allele origin: germline. Affected: yes. Not counted in ClinVar's aggregate classification.

Literature cited by the submitters: PubMed 32376792 (cited by Mayo Clinic Laboratories, Mayo Clinic); PubMed 17052987 (cited by Illumina Laboratory Services, Illumina); PubMed 20039262 (cited by Illumina Laboratory Services, Illumina); PubMed 16930284 (cited by Illumina Laboratory Services, Illumina and Inherited Neuropathy Consortium).